The following is an entry in ClinVar:

ClinVar aggregate classification (germline): Pathogenic (1 of 4 stars; one submission).

Submission:

Labcorp Genetics (formerly Invitae), Labcorp
Classification: Pathogenic. Last evaluated: 2024-02-11. Review status: criteria provided, single submitter. Criteria: Invitae Variant Classification Sherloc (09022015). Collection method: clinical testing. Allele origin: germline.
Comment: This sequence change creates a premature translational stop signal (p.Lys1346Serfs*24) in the KMT2A gene. It is expected to result in an absent or disrupted protein product. Loss-of-function variants in KMT2A are known to be pathogenic (PMID: 22795537, 25810209, 29574747). This variant is not present in population databases (gnomAD no frequency). This variant has not been reported in the literature in individuals affected with KMT2A-related conditions. For these reasons, this variant has been classified as Pathogenic.

Literature cited by the submitters: PubMed 22795537; PubMed 25810209; PubMed 29574747.

NM_001197104.2(KMT2A):c.4032_4033del (p.Lys1346fs)

Gene: KMT2A (lysine methyltransferase 2A; plus strand). Cytogenetic location: 11q23.3.
Variant type: Deletion.
Coding change: c.4032_4033del on transcript NM_001197104.2 (MANE Select); coding-DNA positions 4032 to 4033, 2 bases deleted (GA; older notation c.4032_4033delGA).
Protein change: p.Lys1346fs; shifts the reading frame from lysine 1346.
Molecular consequence: frameshift variant.
Genome position (GRCh38, 1-based): chr11:118,482,441-118,482,442, GA deleted; deleting any 2 consecutive bases within chr11:118,482,440-118,482,442 gives the same sequence; the c. name uses the placement nearest the transcript's 3' end. VCF-style (leftmost placement, unchanged base first): chr11-118482439-CAG-C. GRCh37 (hg19) VCF-style: chr11-118353154-CAG-C.
Other names: c.4131_4132del, p.Lys1379fs (NM_001412597.1); c.4032_4033del, p.Lys1346fs (NM_005933.4); short protein forms K1346fs, K1379fs.
Identifiers: ClinVar variation 3640197 (VCV003640197.2).